The following is an entry in ClinVar:

NM_001987.5(ETV6):c.308G>A (p.Arg103His)

Genes: ETV6 (ETS variant transcription factor 6; plus strand), LOC126861451 (BRD4-independent group 4 enhancer GRCh37_chr12:11991350-11992549; plus strand). Cytogenetic location: 12p13.2.
Variant type: single nucleotide variant.
Coding change: c.308G>A on transcript NM_001987.5 (MANE Select); coding-DNA position 308, G replaced by A.
Protein change: p.Arg103His; replaces arginine 103 with histidine.
Molecular consequence: missense variant.
Genome position (GRCh38, 1-based): chr12:11,839,284, G>A. VCF-style: chr12-11839284-G-A. GRCh37 (hg19) VCF-style: chr12-11992218-G-A.
Other names: c.305G>A, p.Arg102His (NM_001413913.1); c.281G>A, p.Arg94His (NM_001413914.1); c.44G>A, p.Arg15His (NM_001413915.1); c.308G>A, p.Arg103His (NM_001413916.1, NM_001413917.1, NM_001413918.1); short protein forms R15H, R103H, R102H, R94H.
Identifiers: ClinVar variation 3846499 (VCV003846499.1).
Genomic context (GRCh38, chr12:11,839,284, plus strand): 5'-ACAGCAACACGTTTGAAATGAATGGCAAAGCTCTCCTGCTGCTGACCAAAGAGGACTTTC[G>A]CTATCGATCTCCTCATTCAGGTGAGAGTCTGGACTCTTGGCATATGCCCAACTTGGAAAG-3'
Protein context (NP_001978.1, residues 93-113): ALLLLTKEDF[Arg103His]YRSPHSGDVL

ClinVar aggregate classification (germline): Uncertain significance (1 of 4 stars; one submission).

Conditions:
Inborn genetic diseases. Identifiers: MedGen C0950123, MeSH D030342.

gnomAD v4.1: 7 of 1,613,842 alleles (0.00043%); highest among the groups gnomAD compares: South Asian, 0.0011%; no homozygotes.

Submission:

Ambry Genetics
Classification: Uncertain significance for Inborn genetic diseases. Last evaluated: 2025-01-13. Review status: criteria provided, single submitter. Criteria: Ambry Variant Classification Scheme 2023. Collection method: clinical testing. Allele origin: germline.
Comment: The p.R103H variant (also known as c.308G>A), located in coding exon 3 of the ETV6 gene, results from a G to A substitution at nucleotide position 308. The arginine at codon 103 is replaced by histidine, an amino acid with highly similar properties. This amino acid position is highly conserved in available vertebrate species. In addition, the in silico prediction for this alteration is inconclusive. Based on the available evidence, the clinical significance of this variant remains unclear.